The following is an entry in ClinVar:

ClinVar aggregate classification (germline): Uncertain significance (1 of 4 stars; one submission).

Submission:

GeneDx
Classification: Uncertain significance. Last evaluated: 2021-11-17. Review status: criteria provided, single submitter. Criteria: GeneDx Variant Classification Process June 2021. Collection method: clinical testing. Allele origin: germline. Affected: yes.
Comment: Not observed at significant frequency in large population cohorts (Lek et al., 2016); Normal stop codon changed to a Serine codon, leading to the addition of 3 amino acids at the C-terminus; Has not been previously published as pathogenic or benign to our knowledge

NM_002074.5(GNB1):c.1022A>C (p.Ter341Ser)

Gene: GNB1 (G protein subunit beta 1; minus strand). Cytogenetic location: 1p36.33.
Variant type: single nucleotide variant.
Coding change: c.1022A>C on transcript NM_002074.5 (MANE Select); coding-DNA position 1022, A replaced by C.
Protein change: p.Ter341Ser.
Molecular consequence: stop lost.
Genome position (GRCh38, 1-based): chr1:1,787,332, T>G on the plus strand (A>C on the coding strand, the complement: GNB1 is on the minus strand). VCF-style: chr1-1787332-T-G. GRCh37 (hg19) VCF-style: chr1-1718771-T-G.
Other names: c.722A>C, p.Ter241Ser (NM_001282538.2); c.1022A>C, p.Ter341Ser (NM_001282539.2).
Identifiers: ClinVar variation 1326133 (VCV001326133.2), dbSNP rs747120803, ClinGen allele CA337902038.